The following is an entry in ClinVar:

NM_000284.4(PDHA1):c.791_792delinsGC (p.Glu264Gly)

Gene: PDHA1 (pyruvate dehydrogenase E1 subunit alpha 1; plus strand). Cytogenetic location: Xp22.12.
Variant type: Indel.
Coding change: c.791_792delinsGC on transcript NM_000284.4 (MANE Select); coding-DNA positions 791 to 792, AG replaced by GC.
Protein change: p.Glu264Gly; replaces glutamic acid 264 with glycine.
Molecular consequence: missense variant.
Genome position (GRCh38, 1-based): chrX:19,355,717-19,355,718, AG replaced by GC. VCF-style: chrX-19355717-AG-GC. GRCh37 (hg19) VCF-style: chrX-19373835-AG-GC.
Other names: c.905_906delinsGC, p.Glu302Gly (NM_001173454.2); c.812_813delinsGC, p.Glu271Gly (NM_001173455.2); c.698_699delinsGC, p.Glu233Gly (NM_001173456.2); short protein forms E233G, E264G, E271G, E302G.
Identifiers: ClinVar variation 4975561 (VCV004975561.1).

ClinVar aggregate classification (germline): Uncertain significance (1 of 4 stars; one submission).

Submission:

GeneDx
Classification: Uncertain significance. Last evaluated: 2026-01-23. Review status: criteria provided, single submitter. Criteria: GeneDx Variant Classification Process June 2021. Collection method: clinical testing. Allele origin: germline.
Comment: Not observed at significant frequency in large population cohorts (gnomAD); In silico analysis supports that this missense variant has a deleterious effect on protein structure/function; Has not been previously published as pathogenic or benign to our knowledge